The following is an entry in ClinVar:

ClinVar aggregate classification (germline): Conflicting classifications of pathogenicity. Review status: criteria provided, conflicting classifications (1 of 4 stars). 5 submissions from 5 submitters: Uncertain significance (1); Likely benign (4). Last evaluated 2026-01-07.

Conditions:
COL12A1-related disorder. Also called: COL12A1-related condition.
Ullrich congenital muscular dystrophy 2 (UCMD2). Identifiers: Orphanet 75840, MedGen C4225314, MONDO:0014654, OMIM 616470.
Bethlem myopathy 2 (BTHLM2). Identifiers: Orphanet 536516, Orphanet 610, MedGen C4225313, MONDO:0034022, OMIM 616471.

Allele frequency attached by ClinVar (database versions not stated): gnomAD exomes 0.00004 and 0.00013; gnomAD 0.00005; ExAC 0.00006; TOPMed 0.00006; 1000 Genomes Project 30x 0.00016; 1000 Genomes Project 0.00020.
gnomAD v4.1: 194 of 1,610,696 alleles (0.012%); highest among the groups gnomAD compares: Non-Finnish European, 0.016%; no homozygotes.

Submissions (5):

Labcorp Genetics (formerly Invitae), Labcorp
Classification: Likely benign for Bethlem myopathy 2; Ullrich congenital muscular dystrophy 2. Last evaluated: 2026-01-07. Review status: criteria provided, single submitter. Criteria: Invitae Variant Classification Sherloc (09022015). Collection method: clinical testing. Allele origin: germline.

PreventionGenetics, part of Exact Sciences
Classification: Likely benign for COL12A1-related condition. Last evaluated: 2025-12-09. Review status: criteria provided, single submitter. Criteria: ACMG Guidelines, 2015. Collection method: clinical testing. Allele origin: germline.
Comment: This variant is classified as likely benign based on ACMG/AMP sequence variant interpretation guidelines (Richards et al. 2015 PMID: 25741868, with internal and published modifications).

Women's Health and Genetics/Laboratory Corporation of America, LabCorp
Classification: Likely benign. Last evaluated: 2025-10-06. Review status: criteria provided, single submitter. Criteria: LabCorp Variant Classification Summary - May 2015. Collection method: clinical testing. Allele origin: germline.

CeGaT Center for Human Genetics Tuebingen
Classification: Uncertain significance. Last evaluated: 2022-11-01. Review status: criteria provided, single submitter. Criteria: CeGaT Center For Human Genetics Tuebingen Variant Classification Criteria Version 2. Collection method: clinical testing. Allele origin: germline. Affected: yes. Observed: 1 variant allele.
Comment: COL12A1: PM2, BP4

GeneDx
Classification: Likely benign. Last evaluated: 2018-10-31. Review status: criteria provided, single submitter. Criteria: GeneDx Variant Classification Process June 2021. Collection method: clinical testing. Allele origin: germline. Affected: yes.

NM_004370.6(COL12A1):c.4288-5C>T

Gene: COL12A1 (collagen type XII alpha 1 chain; minus strand). Cytogenetic location: 6q13.
Variant type: single nucleotide variant.
Coding change: c.4288-5C>T on transcript NM_004370.6 (MANE Select); 5 bases into the intron before coding-DNA position 4288, C replaced by T.
Molecular consequence: intron variant.
Genome position (GRCh38, 1-based): chr6:75,147,809, G>A on the plus strand (C>T on the coding strand, the complement: COL12A1 is on the minus strand). VCF-style: chr6-75147809-G-A. GRCh37 (hg19) VCF-style: chr6-75857525-G-A.
Other names: c.796-5C>T (NM_080645.3); c.4288-5C>T (NM_004370.5).
Identifiers: ClinVar variation 1096954 (VCV001096954.42), dbSNP rs544779989, ClinGen allele CA3893480.
Genomic context (GRCh38, chr6:75,147,809, plus strand): 5'-GTTTCAGGTTTCAGATCTTTCAGCACTGTGCTAGTTTCCATTCGACTCACATAAAACTAG[G>A]GGGAAAAATTAAACAGAGCAACAACGTATGTATAATCAGTTCCCTTTTTCCTACTATACT-3'